The following is an entry in ClinVar:

ClinVar aggregate classification (germline): Pathogenic (1 of 4 stars; one submission).

Conditions:
RPE65-related recessive retinopathy. Also called: Recessive RPE65 retinopathy. Identifiers: MedGen CN305526, MONDO:0100368.

Submission:

Myriad Genetics, Inc.
Classification: Pathogenic for RPE65-related recessive retinopathy. Last evaluated: 2026-01-19. Review status: criteria provided, single submitter. Criteria: Myriad Autosomal Dominant, Autosomal Recessive and X-Linked Classification Criteria (2023). Collection method: clinical testing. Allele origin: unknown.
Comment: NM_000329.2(RPE65):c.1272delG(K425Sfs*15) is expected to be pathogenic in the context of inherited retinal dystrophy, RPE65-related. This variant is predicted to lead to an abnormal or absent protein product due to the creation of a premature termination codon in RPE65, a gene where loss-of-function variants are known to be pathogenic. Please note: this variant was assessed in the context of healthy population screening.

NM_000329.3(RPE65):c.1272del (p.Lys425fs)

Gene: RPE65 (retinoid isomerohydrolase RPE65; minus strand). Cytogenetic location: 1p31.3.
Variant type: Deletion.
Coding change: c.1272del on transcript NM_000329.3 (MANE Select); coding-DNA position 1272, one base deleted (G; older notation c.1272delG).
Protein change: p.Lys425fs; shifts the reading frame from lysine 425.
Molecular consequence: frameshift variant.
Genome position (GRCh38, 1-based): chr1:68,431,348, C deleted on the plus strand (G on the coding strand, the reverse complement: RPE65 is on the minus strand). VCF-style (leftmost placement, unchanged base first): chr1-68431347-TC-T. GRCh37 (hg19) VCF-style: chr1-68897030-TC-T.
Other names: c.1164del, p.Lys389fs (NM_001406853.1); c.996del, p.Lys333fs (NM_001406856.1, NM_001406857.1); short protein forms K333fs, K389fs, K425fs.
Identifiers: ClinVar variation 5015440 (VCV005015440.1).
Genomic context (GRCh38, chr1:68,431,347, plus strand): 5'-CTGGAACAAAGTGATTCAAGCCAAGTCCATACGCATATGTGTAAGGTTTCCCACAATACT[TC>T]TGGTAATTGATTTGAGGAAACTCAAATGCTACGAAATAGAGCACATGCTTAGGAAAACTC-3'